The following is an entry in ClinVar:

NM_005733.3(KIF20A):c.152A>G (p.Glu51Gly)

Gene: KIF20A (kinesin family member 20A; plus strand). Cytogenetic location: 5q31.2.
Variant type: single nucleotide variant.
Coding change: c.152A>G on transcript NM_005733.3 (MANE Select); coding-DNA position 152, A replaced by G.
Protein change: p.Glu51Gly; replaces glutamic acid 51 with glycine.
Molecular consequence: missense variant.
Genome position (GRCh38, 1-based): chr5:138,179,832, A>G. VCF-style: chr5-138179832-A-G. GRCh37 (hg19) VCF-style: chr5-137515521-A-G.
Other names: short protein forms E51G.
Identifiers: ClinVar variation 4807760 (VCV004807760.1).

ClinVar aggregate classification (germline): Uncertain significance (1 of 4 stars; one submission).

gnomAD v4.1: 1 of 1,614,036 alleles (0.000062%); no homozygotes.

Submission:

Labcorp Genetics (formerly Invitae), Labcorp
Classification: Uncertain significance. Last evaluated: 2026-01-31. Review status: criteria provided, single submitter. Criteria: Invitae Variant Classification Sherloc (09022015). Collection method: clinical testing. Allele origin: germline.
Comment: This sequence change replaces glutamic acid, which is acidic and polar, with glycine, which is neutral and non-polar, at codon 51 of the KIF20A protein (p.Glu51Gly). This variant is not present in population databases (gnomAD no frequency). This variant has not been reported in the literature in individuals affected with KIF20A-related conditions. An algorithm developed to predict the effect of missense changes on protein structure and function (PolyPhen-2) suggests that this variant is likely to be tolerated. In summary, the available evidence is currently insufficient to determine the role of this variant in disease. Therefore, it has been classified as a Variant of Uncertain Significance.